The following is an entry in ClinVar:

ClinVar aggregate classification (germline): Uncertain significance (1 of 4 stars; one submission).

Conditions:
Developmental and epileptic encephalopathy, 23 (DEE23). Also called: Epileptic encephalopathy, early infantile, 23. Identifiers: Orphanet 411986, MedGen C4014492, MONDO:0014371, OMIM 615859.

Allele frequency attached by ClinVar (database versions not stated): ExAC 0.00001; gnomAD exomes below 0.00001.

Submission:

Labcorp Genetics (formerly Invitae), Labcorp
Classification: Uncertain significance for Developmental and epileptic encephalopathy, 23. Last evaluated: 2022-01-14. Review status: criteria provided, single submitter. Criteria: Invitae Variant Classification Sherloc (09022015). Collection method: clinical testing. Allele origin: germline.
Comment: This sequence change replaces lysine, which is basic and polar, with arginine, which is basic and polar, at codon 1890 of the DOCK7 protein (p.Lys1890Arg). This variant is not present in population databases (gnomAD no frequency). This variant has not been reported in the literature in individuals affected with DOCK7-related conditions. Algorithms developed to predict the effect of missense changes on protein structure and function (SIFT, PolyPhen-2, Align-GVGD) all suggest that this variant is likely to be tolerated. Algorithms developed to predict the effect of sequence changes on RNA splicing suggest that this variant may create or strengthen a splice site. In summary, the available evidence is currently insufficient to determine the role of this variant in disease. Therefore, it has been classified as a Variant of Uncertain Significance.

NM_001367561.1(DOCK7):c.5702A>G (p.Lys1901Arg)

Gene: DOCK7 (dedicator of cytokinesis 7; minus strand). Cytogenetic location: 1p31.3.
Variant type: single nucleotide variant.
Coding change: c.5702A>G on transcript NM_001367561.1 (MANE Select); coding-DNA position 5702, A replaced by G.
Protein change: p.Lys1901Arg; replaces lysine 1901 with arginine.
Molecular consequence: missense variant.
Genome position (GRCh38, 1-based): chr1:62,476,089, T>C on the plus strand (A>G on the coding strand, the complement: DOCK7 is on the minus strand). VCF-style: chr1-62476089-T-C. GRCh37 (hg19) VCF-style: chr1-62941760-T-C.
Other names: c.5669A>G, p.Lys1890Arg (NM_001271999.2); c.5582A>G, p.Lys1861Arg (NM_001272000.2); c.5576A>G, p.Lys1859Arg (NM_001272001.2); c.5675A>G, p.Lys1892Arg (NM_001330614.2); c.5609A>G, p.Lys1870Arg (NM_033407.4); short protein forms K1861R, K1870R, K1892R, K1901R, K1890R, K1859R.
Identifiers: ClinVar variation 1516515 (VCV001516515.5), dbSNP rs778223878, ClinGen allele CA885369.